The following is an entry in ClinVar:

ClinVar aggregate classification (germline): Likely benign (0 of 4 stars; one submission).

Conditions:
PLXNA2-related disorder. Also called: PLXNA2-related condition.

Allele frequency attached by ClinVar (database versions not stated): ExAC 0.00001; gnomAD exomes 0.00001; TOPMed 0.00002; gnomAD 0.00005; 1000 Genomes Project 30x 0.00016; 1000 Genomes Project 0.00020.

Submission:

PreventionGenetics, part of Exact Sciences
Classification: Likely benign for PLXNA2-related condition. Last evaluated: 2022-08-18. Review status: no assertion criteria provided. Collection method: clinical testing. Allele origin: germline.
Comment: This variant is classified as likely benign based on ACMG/AMP sequence variant interpretation guidelines (Richards et al. 2015 PMID: 25741868, with internal and published modifications).

NM_025179.4(PLXNA2):c.4359C>T (p.Cys1453=)

Gene: PLXNA2 (plexin A2; minus strand). Cytogenetic location: 1q32.2.
Variant type: single nucleotide variant.
Coding change: c.4359C>T on transcript NM_025179.4 (MANE Select); coding-DNA position 4359, C replaced by T.
Protein change: p.Cys1453=; no amino-acid change (cysteine 1453 retained).
Molecular consequence: synonymous variant.
Genome position (GRCh38, 1-based): chr1:208,039,762, G>A on the plus strand (C>T on the coding strand, the complement: PLXNA2 is on the minus strand). VCF-style: chr1-208039762-G-A. GRCh37 (hg19) VCF-style: chr1-208213107-G-A.
Identifiers: ClinVar variation 3050915 (VCV003050915.2), dbSNP rs559463221, ClinGen allele CA1372890.
Genomic context (GRCh38, chr1:208,039,762, plus strand): 5'-GGGGCCCTTCTCCATCTGCTGCTTGATGGCACAGTATAGCATGAAGAGTGGCTCCCCTGC[G>A]CACTCCTGTGGGCACAGACAGGGCAGGAGGTGTGGGCACGGCCTCCTCAGGTTTGTACGT-3'
Protein context (NP_079455.3, residues 1443-1463): AFLLHKFLKE[Cys1453=]AGEPLFMLYC